The following is an entry in ClinVar:

ClinVar aggregate classification (germline): Uncertain significance (1 of 4 stars; one submission).

Submission:

Mayo Clinic Laboratories, Mayo Clinic
Classification: Uncertain significance. Last evaluated: 2025-05-30. Review status: criteria provided, single submitter. Criteria: ACMG Guidelines, 2015. Collection method: clinical testing. Allele origin: germline. Observed: 1 variant allele.
Comment: BP1, PM2_supporting

NM_000435.3(NOTCH3):c.3397C>G (p.His1133Asp)

Gene: NOTCH3 (notch receptor 3; minus strand). Cytogenetic location: 19p13.12.
Variant type: single nucleotide variant.
Coding change: c.3397C>G on transcript NM_000435.3 (MANE Select); coding-DNA position 3397, C replaced by G.
Protein change: p.His1133Asp; replaces histidine 1133 with aspartic acid.
Molecular consequence: missense variant.
Genome position (GRCh38, 1-based): chr19:15,179,427, G>C on the plus strand (C>G on the coding strand, the complement: NOTCH3 is on the minus strand). VCF-style: chr19-15179427-G-C. GRCh37 (hg19) VCF-style: chr19-15290238-G-C.
Other names: p.His1133Asp; short protein forms H1133D.
Identifiers: ClinVar variation 4542320 (VCV004542320.1).